The following is an entry in ClinVar:

ClinVar aggregate classification (germline): Uncertain significance (1 of 4 stars; one submission).

Submission:

GeneDx
Classification: Uncertain significance. Last evaluated: 2025-02-11. Review status: criteria provided, single submitter. Criteria: GeneDx Variant Classification Process June 2021. Collection method: clinical testing. Allele origin: germline. Affected: yes.
Comment: Not observed at significant frequency in large population cohorts (gnomAD); In silico analysis indicates that this missense variant does not alter protein structure/function; Has not been previously published as pathogenic or benign to our knowledge

NM_017780.4(CHD7):c.3197C>T (p.Pro1066Leu)

Gene: CHD7 (chromodomain helicase DNA binding protein 7; plus strand). Cytogenetic location: 8q12.2.
Variant type: single nucleotide variant.
Coding change: c.3197C>T on transcript NM_017780.4 (MANE Select); coding-DNA position 3197, C replaced by T.
Protein change: p.Pro1066Leu; replaces proline 1066 with leucine.
Molecular consequence: missense variant. On other transcripts: intron variant (1).
Genome position (GRCh38, 1-based): chr8:60,822,742, C>T. VCF-style: chr8-60822742-C-T. GRCh37 (hg19) VCF-style: chr8-61735301-C-T.
Other names: c.1717-39487C>T (NM_001316690.1); short protein forms P1066L.
Identifiers: ClinVar variation 4074416 (VCV004074416.1).